The following is an entry in ClinVar:

ClinVar aggregate classification (germline): Uncertain significance. Review status: criteria provided, multiple submitters, no conflicts (2 of 4 stars). 2 submissions from 2 submitters: Uncertain significance (2). Last evaluated 2023-11-21.

Conditions:
Primary dilated cardiomyopathy (DCM). Also called: Dilated Cardiomyopathy. Identifiers: Orphanet 217604, MedGen C0007193, MeSH D002311, MONDO:0005021, HP:0001644. Inheritance: Various modes of inheritance.
Cardiovascular phenotype. Identifiers: MedGen CN230736.

Allele frequency attached by ClinVar (database versions not stated): ExAC 0.00001; gnomAD exomes 0.00001; TOPMed 0.00001; gnomAD 0.00002 and 0.00003.

Submissions (2):

Labcorp Genetics (formerly Invitae), Labcorp
Classification: Uncertain significance for Primary dilated cardiomyopathy. Last evaluated: 2023-11-21. Review status: criteria provided, single submitter. Criteria: Invitae Variant Classification Sherloc (09022015). Collection method: clinical testing. Allele origin: germline.
Comment: This sequence change replaces arginine, which is basic and polar, with serine, which is neutral and polar, at codon 323 of the TXNRD2 protein (p.Arg323Ser). This variant is present in population databases (rs765171416, gnomAD 0.002%). This variant has not been reported in the literature in individuals affected with TXNRD2-related conditions. ClinVar contains an entry for this variant (Variation ID: 1500774). Advanced modeling of protein sequence and biophysical properties (such as structural, functional, and spatial information, amino acid conservation, physicochemical variation, residue mobility, and thermodynamic stability) performed at Invitae indicates that this missense variant is not expected to disrupt TXNRD2 protein function with a negative predictive value of 80%. In summary, the available evidence is currently insufficient to determine the role of this variant in disease. Therefore, it has been classified as a Variant of Uncertain Significance.

Ambry Genetics
Classification: Uncertain significance for Cardiovascular phenotype. Last evaluated: 2023-03-26. Review status: criteria provided, single submitter. Criteria: Ambry Variant Classification Scheme 2023. Collection method: clinical testing. Allele origin: germline.
Comment: The p.R323S variant (also known as c.969A>C), located in coding exon 12 of the TXNRD2 gene, results from an A to C substitution at nucleotide position 969. The arginine at codon 323 is replaced by serine, an amino acid with dissimilar properties. This amino acid position is conserved. In addition, this alteration is predicted to be tolerated by in silico analysis. Since supporting evidence is limited at this time, the clinical significance of this alteration remains unclear.

NM_006440.5(TXNRD2):c.969A>C (p.Arg323Ser)

Gene: TXNRD2 (thioredoxin reductase 2; minus strand). Cytogenetic location: 22q11.21.
Variant type: single nucleotide variant.
Coding change: c.969A>C on transcript NM_006440.5 (MANE Select); coding-DNA position 969, A replaced by C.
Protein change: p.Arg323Ser; replaces arginine 323 with serine.
Molecular consequence: missense variant. On other transcripts: non-coding transcript variant (1).
Genome position (GRCh38, 1-based): chr22:19,883,442, T>G on the plus strand (A>C on the coding strand, the complement: TXNRD2 is on the minus strand). VCF-style: chr22-19883442-T-G. GRCh37 (hg19) VCF-style: chr22-19870965-T-G.
Other names: c.969A>C (NM_006440.3); c.966A>C, p.Arg322Ser (NM_001352300.2); c.879A>C, p.Arg293Ser (NM_001352301.2); c.681A>C, p.Arg227Ser (NM_001352302.2); short protein forms R227S, R293S, R322S, R323S.
Identifiers: ClinVar variation 1500774 (VCV001500774.8), dbSNP rs765171416, ClinGen allele CA10103876.
Genomic context (GRCh38, chr22:19,883,442, plus strand): 5'-CACCAGGATCTTCTGAGTGTCGGGGCTAGTATCTACCCCAGCCTTCTCCAAATTCAGACT[T>G]CTGGTGTCTGGGACTCGACCTGAAGGAAACAGAGAGGGGGCTGAAAGGTTATCTTCAGTG-3'
Protein context (NP_006431.2, residues 313-333): LWAIGRVPDT[Arg323Ser]SLNLEKAGVD